The following is an entry in ClinVar:

ClinVar aggregate classification (germline): Uncertain significance (1 of 4 stars; one submission).

Conditions:
Anauxetic dysplasia. Identifiers: Orphanet 93347, MedGen C1846796, MONDO:0011773.

Submission:

Labcorp Genetics (formerly Invitae), Labcorp
Classification: Uncertain significance for Anauxetic dysplasia. Last evaluated: 2022-08-19. Review status: criteria provided, single submitter. Criteria: Invitae Variant Classification Sherloc (09022015). Collection method: clinical testing. Allele origin: germline.
Comment: Experimental studies and prediction algorithms are not available or were not evaluated, and the functional significance of this variant is currently unknown. In summary, the available evidence is currently insufficient to determine the role of this variant in disease. Therefore, it has been classified as a Variant of Uncertain Significance. This variant has not been reported in the literature in individuals affected with RMRP-related conditions. This variant is not present in population databases (gnomAD no frequency). This variant occurs in the RMRP gene, which encodes an RNA molecule that does not result in a protein product.

NC_000009.12:g.35657867C>A

Gene: RMRP (RNA component of mitochondrial RNA processing endoribonuclease; minus strand). Cytogenetic location: 9p13.3.
Variant type: single nucleotide variant.
Genome position: GRCh38 VCF-style: chr9-35657867-C-A. GRCh37 (hg19) VCF-style: chr9-35657864-C-A.
Identifiers: ClinVar variation 1932174 (VCV001932174.5), dbSNP rs1278840803, ClinGen allele CA464450689.